The following is an entry in ClinVar:

ClinVar aggregate classification (germline): Uncertain significance. Review status: criteria provided, multiple submitters, no conflicts (2 of 4 stars). 2 submissions from 2 submitters: Uncertain significance (2). Last evaluated 2025-08-12.

gnomAD v4.1: 5 of 1,609,186 alleles (0.00031%); highest among the groups gnomAD compares: Non-Finnish European, 0.00042%; no homozygotes.

Submissions (2):

Ambry Genetics
Classification: Uncertain significance. Last evaluated: 2025-08-12. Review status: criteria provided, single submitter. Criteria: Ambry Variant Classification Scheme 2023. Collection method: clinical testing. Allele origin: germline.

Labcorp Genetics (formerly Invitae), Labcorp
Classification: Uncertain significance. Last evaluated: 2023-01-13. Review status: criteria provided, single submitter. Criteria: Invitae Variant Classification Sherloc (09022015). Collection method: clinical testing. Allele origin: germline.
Comment: In summary, the available evidence is currently insufficient to determine the role of this variant in disease. Therefore, it has been classified as a Variant of Uncertain Significance. Advanced modeling of protein sequence and biophysical properties (such as structural, functional, and spatial information, amino acid conservation, physicochemical variation, residue mobility, and thermodynamic stability) performed at Invitae indicates that this missense variant is not expected to disrupt ATP4A protein function. This variant has not been reported in the literature in individuals affected with ATP4A-related conditions. This variant is not present in population databases (gnomAD no frequency). This sequence change replaces valine, which is neutral and non-polar, with leucine, which is neutral and non-polar, at codon 700 of the ATP4A protein (p.Val700Leu).

NM_000704.3(ATP4A):c.2098G>C (p.Val700Leu)

Gene: ATP4A (ATPase H+/K+ transporting subunit alpha; minus strand). Cytogenetic location: 19q13.12.
Variant type: single nucleotide variant.
Coding change: c.2098G>C on transcript NM_000704.3 (MANE Select); coding-DNA position 2098, G replaced by C.
Protein change: p.Val700Leu; replaces valine 700 with leucine.
Molecular consequence: missense variant.
Genome position (GRCh38, 1-based): chr19:35,555,499, C>G on the plus strand (G>C on the coding strand, the complement: ATP4A is on the minus strand). VCF-style: chr19-35555499-C-G. GRCh37 (hg19) VCF-style: chr19-36046401-C-G.
Other names: c.2098G>C (NM_000704.2); short protein forms V700L.
Identifiers: ClinVar variation 2881179 (VCV002881179.4), dbSNP rs1372933155, ClinGen allele CA405377330.